The following is an entry in ClinVar:

ClinVar aggregate classification (germline): Conflicting classifications of pathogenicity. Review status: criteria provided, conflicting classifications (1 of 4 stars). 2 submissions from 2 submitters: Likely pathogenic (1); Uncertain significance (1). Last evaluated 2024-01-17.

Conditions:
Severe myoclonic epilepsy in infancy (DRVT). Also called: SEVERE MYOCLONIC EPILEPSY OF INFANCY; DEVELOPMENTAL AND EPILEPTIC ENCEPHALOPATHY 6A; Severe Myoclonic Epilepsy in Infancy (SMEI); Epileptic encephalopathy, early infantile, 6 (Dravet syndrome); Dravet syndrome. Identifiers: Orphanet 33069, MedGen C0751122, MONDO:0100135, OMIM 607208.

Submissions (2):

Institute for Clinical Genetics, University Hospital TU Dresden, University Hospital TU Dresden
Classification: Likely pathogenic for Severe myoclonic epilepsy in infancy. Last evaluated: 2024-01-17. Review status: criteria provided, single submitter. Criteria: ACMG Guidelines, 2015. Collection method: clinical testing. Allele origin: germline. Affected: yes.
Comment: The missense variant in the SCN1A gene (NM_001165963.4:c.3953T>C, p.(Leu1318Pro)) leads to an amino acid exchange at position 1318 in the corresponding protein due to a base exchange at position 3953 of the mRNA. This variant is classified once in the ClinVar database as a variant of unclear significance. The gene empirically shows an increased sensitivity to missense variants (Z-score 7.6). Bioinformatic prediction algorithms estimate the effect of the variant on protein function as deleterious (REVEL score 0.98), which has not yet been confirmed by functional studies. Another variant at the same amino acid position has been reported in the literature as causing disease (p.(Leu1318Arg), PMID: 22147323). This variant has not yet been found in healthy individuals in the gnomAD database. According to current ACMG recommendations for variant evaluation (PMID 25741868), the criteria PM2_SUP, PM5_SUP, PP2 and PP3_STR are fulfilled, resulting in an evaluation as a probably pathogenic variant (ACMG class 4).

Baylor Genetics
Classification: Uncertain significance for Severe myoclonic epilepsy in infancy. Last evaluated: 2020-01-20. Review status: criteria provided, single submitter. Criteria: ACMG Guidelines, 2015. Collection method: clinical testing. Allele origin: unknown. Affected: yes.
Comment: This variant was determined to be of uncertain significance according to ACMG Guidelines, 2015 [PMID:25741868].

NM_001165963.4(SCN1A):c.3953T>C (p.Leu1318Pro)

Genes: SCN1A (sodium voltage-gated channel alpha subunit 1; minus strand), LOC102724058 (uncharacterized LOC102724058; plus strand). Cytogenetic location: 2q24.3.
Variant type: single nucleotide variant.
Coding change: c.3953T>C on transcript NM_001165963.4 (MANE Select); coding-DNA position 3953, T replaced by C.
Protein change: p.Leu1318Pro; replaces leucine 1318 with proline.
Molecular consequence: missense variant. On other transcripts: non-coding transcript variant (1).
Genome position (GRCh38, 1-based): chr2:166,009,768, A>G on the plus strand (T>C on the coding strand, the complement: SCN1A is on the minus strand). VCF-style: chr2-166009768-A-G. GRCh37 (hg19) VCF-style: chr2-166866278-A-G.
Other names: c.3869T>C, p.Leu1290Pro (NM_001165964.3, NM_001353957.2, NM_001353958.2); c.3866T>C, p.Leu1289Pro (NM_001353960.2); c.1511T>C, p.Leu504Pro (NM_001353961.2); c.3920T>C, p.Leu1307Pro (NM_006920.6, NM_001353949.2, NM_001353950.2 and 2 more transcripts); c.3953T>C, p.Leu1318Pro (NM_001202435.3, NM_001353948.2); c.3917T>C, p.Leu1306Pro (NM_001353954.2, NM_001353955.2); short protein forms L1289P, L1306P, L1307P, L1290P, L1318P, L504P.
Identifiers: ClinVar variation 1027786 (VCV001027786.2), dbSNP rs1692164539, ClinGen allele CA349053108.